The following is an entry in ClinVar:

NM_001080421.3(UNC13A):c.1538C>T (p.Ser513Phe)

Gene: UNC13A (unc-13 homolog A; minus strand). Cytogenetic location: 19p13.11.
Variant type: single nucleotide variant.
Coding change: c.1538C>T on transcript NM_001080421.3 (MANE Select); coding-DNA position 1538, C replaced by T.
Protein change: p.Ser513Phe; replaces serine 513 with phenylalanine.
Molecular consequence: missense variant.
Genome position (GRCh38, 1-based): chr19:17,648,970, G>A on the plus strand (C>T on the coding strand, the complement: UNC13A is on the minus strand). VCF-style: chr19-17648970-G-A. GRCh37 (hg19) VCF-style: chr19-17759779-G-A.
Other names: c.1532C>T, p.Ser511Phe (NM_001387021.1, NM_001387022.1, NM_001387023.1); short protein forms S511F, S513F.
Identifiers: ClinVar variation 4866325 (VCV004866325.1).
Genomic context (GRCh38, chr19:17,648,970, plus strand): 5'-ACCAGCTCCTCGTTGTTCAACGTGCTGGAGGCCAAGGCCGAGGTGATGCCCGCTTTCCTG[G>A]ACTGGACCAGGGACTGGGGAGGTCACAGAAGAGGGAGTCGGGGGGGTTGACATCCATGAG-3'
Protein context (NP_001073890.2, residues 503-523): VSDLAMSLVQ[Ser513Phe]RKAGITSALA

ClinVar aggregate classification (germline): Uncertain significance (1 of 4 stars; one submission).

gnomAD v4.1: 34 of 1,603,502 alleles (0.0021%); highest among the groups gnomAD compares: Non-Finnish European, 0.0029%; no homozygotes.

Submission:

Ambry Genetics
Classification: Uncertain significance. Last evaluated: 2026-06-11. Review status: criteria provided, single submitter. Criteria: Ambry Variant Classification Scheme 2023. Collection method: clinical testing. Allele origin: germline.
Comment: The c.1538C>T (p.S513F) alteration is located in exon 15 (coding exon 15) of the UNC13A gene. This alteration results from a C to T substitution at nucleotide position 1538, causing the serine (S) at amino acid position 513 to be replaced by a phenylalanine (F). Based on data from gnomAD, the T allele has an overall frequency of 0.003% (1/31408) total alleles studied. The highest observed frequency was 0.007% (1/15436) of European (non-Finnish) alleles. Based on insufficient or conflicting evidence, the clinical significance of this alteration remains unclear.